The following is an entry in ClinVar:

NM_031935.3(HMCN1):c.13126G>C (p.Asp4376His)

Gene: HMCN1 (hemicentin 1; plus strand). Cytogenetic location: 1q31.1.
Variant type: single nucleotide variant.
Coding change: c.13126G>C on transcript NM_031935.3 (MANE Select); coding-DNA position 13126, G replaced by C.
Protein change: p.Asp4376His; replaces aspartic acid 4376 with histidine.
Molecular consequence: missense variant.
Genome position (GRCh38, 1-based): chr1:186,130,593, G>C. VCF-style: chr1-186130593-G-C. GRCh37 (hg19) VCF-style: chr1-186099725-G-C.
Other names: short protein forms D4376H.
Identifiers: ClinVar variation 4700391 (VCV004700391.1).
Genomic context (GRCh38, chr1:186,130,593, plus strand): 5'-CCTTCTAACTGGATTGAACCACTTGGTGGGAATGCAATCCTGAATTGTGAGGTGAAAGGA[G>C]ACCCCACCCCAACCATCCAGTGGAACAGAAAGGGAGTGGATATTGAAATTAGCCACAGAA-3'
Protein context (NP_114141.2, residues 4366-4386): NAILNCEVKG[Asp4376His]PTPTIQWNRK

ClinVar aggregate classification (germline): Uncertain significance (1 of 4 stars; one submission).

gnomAD v4.1: 8 of 1,613,408 alleles (0.0005%); highest among the groups gnomAD compares: Non-Finnish European, 0.00025%; no homozygotes.

Submission:

Labcorp Genetics (formerly Invitae), Labcorp
Classification: Uncertain significance. Last evaluated: 2025-07-29. Review status: criteria provided, single submitter. Criteria: Invitae Variant Classification Sherloc (09022015). Collection method: clinical testing. Allele origin: germline.
Comment: This sequence change replaces aspartic acid, which is acidic and polar, with histidine, which is basic and polar, at codon 4376 of the HMCN1 protein (p.Asp4376His). This variant is present in population databases (rs771551118, gnomAD 0.01%). This variant has not been reported in the literature in individuals affected with HMCN1-related conditions. An algorithm developed to predict the effect of missense changes on protein structure and function (PolyPhen-2) suggests that this variant is likely to be disruptive. In summary, the available evidence is currently insufficient to determine the role of this variant in disease. Therefore, it has been classified as a Variant of Uncertain Significance.